The following is an entry in ClinVar:

ClinVar aggregate classification (germline): Uncertain significance. Review status: criteria provided, multiple submitters, no conflicts (2 of 4 stars). 8 submissions from 8 submitters: Uncertain significance (8). Last evaluated 2025-11-18.

Conditions:
Ehlers-Danlos syndrome (EDS). Identifiers: Orphanet 98249, MedGen C0013720, MONDO:0020066.
Ehlers-Danlos syndrome, type 4 (EDSVASC). Also called: Ehlers-Danlos Syndrome Type IV; Ehlers-Danlos syndrome vascular type; Ehlers Danlos syndrome, ecchymotic type; Ehlers Danlos syndrome, arterial type; Ehlers Danlos syndrome, Sack-Barabas type. Identifiers: Orphanet 286, MedGen C0268338, MONDO:0017314, OMIM 130050.
Familial thoracic aortic aneurysm and aortic dissection (TAAD). Also called: Thoracic aortic aneurysms and dissections. Identifiers: Orphanet 91387, MedGen C4707243, MONDO:0019625.
Polymicrogyria with or without vascular-type Ehlers-Danlos syndrome. Identifiers: Orphanet 636941, MedGen C5193040, MONDO:0032688, OMIM 618343.

Allele frequency attached by ClinVar (database versions not stated): TOPMed 0.00003; ESP Exome Variant Server 0.00008; gnomAD exomes below 0.00001 and 0.00002; gnomAD 0.00002.
gnomAD v4.1: 34 of 1,613,334 alleles (0.0021%); highest among the groups gnomAD compares: African/African-American, 0.004%; no homozygotes.

Submissions (8):

Labcorp Genetics (formerly Invitae), Labcorp
Classification: Uncertain significance for Ehlers-Danlos syndrome, type 4. Last evaluated: 2025-11-18. Review status: criteria provided, single submitter. Criteria: Invitae Variant Classification Sherloc (09022015). Collection method: clinical testing. Allele origin: germline.
Comment: This sequence change replaces arginine, which is basic and polar, with glutamine, which is neutral and polar, at codon 1166 of the COL3A1 protein (p.Arg1166Gln). This variant is present in population databases (rs369494336, gnomAD 0.0009%). This variant has not been reported in the literature in individuals affected with COL3A1-related conditions. ClinVar contains an entry for this variant (Variation ID: 860757). Invitae Evidence Modeling of protein sequence and biophysical properties (such as structural, functional, and spatial information, amino acid conservation, physicochemical variation, residue mobility, and thermodynamic stability) indicates that this missense variant is not expected to disrupt COL3A1 protein function with a negative predictive value of 95%. In summary, the available evidence is currently insufficient to determine the role of this variant in disease. Therefore, it has been classified as a Variant of Uncertain Significance.

All of Us Research Program, National Institutes of Health
Classification: Uncertain significance for Ehlers-Danlos syndrome, type 4. Last evaluated: 2024-08-13. Review status: criteria provided, single submitter. Criteria: ACMG Guidelines, 2015. Collection method: clinical testing. Allele origin: germline. Inheritance: Autosomal dominant inheritance. Observed: 6 variant alleles, 6 heterozygotes.
Comment: This missense variant replaces arginine with glutamine at codon 1166 of the COL3A1 protein. Computational prediction suggests that this variant may have deleterious impact on protein structure and function (internally defined REVEL score threshold >= 0.7, PMID: 27666373). To our knowledge, functional studies have not been reported for this variant. This variant has not been reported in individuals affected with cardiovascular disorders in the literature. This variant has been identified in 1/249682 chromosomes in the general population by the Genome Aggregation Database (gnomAD). The available evidence is insufficient to determine the role of this variant in disease conclusively. Therefore, this variant is classified as a Variant of Uncertain Significance.

This study involves interpretation of variants in research participants for the purpose of population health screening. Participant phenotype was not available at the time of variant classification. Additional details can be found in publication PMID: 35346344, PMCID: PMC8962531

CeGaT Center for Human Genetics Tuebingen
Classification: Uncertain significance. Last evaluated: 2024-08-01. Review status: criteria provided, single submitter. Criteria: CeGaT Center For Human Genetics Tuebingen Variant Classification Criteria Version 2. Collection method: clinical testing. Allele origin: germline. Affected: yes. Observed: 1 variant allele.
Comment: COL3A1: PM2, PP3

Color Diagnostics, LLC DBA Color Health
Classification: Uncertain significance for Familial thoracic aortic aneurysm and aortic dissection. Last evaluated: 2024-07-24. Review status: criteria provided, single submitter. Criteria: ACMG Guidelines, 2015. Collection method: clinical testing. Allele origin: germline.
Comment: This missense variant replaces arginine with glutamine at codon 1166 of the COL3A1 protein. Computational prediction suggests that this variant may not impact protein structure and function. To our knowledge, functional studies have not been reported for this variant. This variant has not been reported in individuals affected with COL3A1-related disorders in the literature. This variant has been identified in 1/249682 chromosomes in the general population by the Genome Aggregation Database (gnomAD). The available evidence is insufficient to determine the role of this variant in disease conclusively. Therefore, this variant is classified as a Variant of Uncertain Significance.

Fulgent Genetics
Classification: Uncertain significance for Ehlers-Danlos syndrome, type 4; Polymicrogyria with or without vascular-type Ehlers-Danlos syndrome. Last evaluated: 2021-11-02. Review status: criteria provided, single submitter. Criteria: ACMG Guidelines, 2015. Collection method: clinical testing. Allele origin: unknown.

GeneDx
Classification: Uncertain significance. Last evaluated: 2021-09-17. Review status: criteria provided, single submitter. Criteria: GeneDx Variant Classification Process June 2021. Collection method: clinical testing. Allele origin: germline. Affected: yes.
Comment: Has not been previously published as pathogenic or benign to our knowledge; Not observed at significant frequency in large population cohorts (Lek et al., 2016); In silico analysis supports that this missense variant has a deleterious effect on protein structure/function; Occurs in the triple helical domain at the Y position in the canonical Gly-X-Y repeat; although this variant may have an effect on normal protein folding and function, missense substitution at the Y position is not a common mechanism of disease (Stenson et al., 2014); Reported in ClinVar as a variant of uncertain significance (ClinVar Variant ID# 860757; Landrum et al., 2016)

Genome Diagnostics Laboratory, The Hospital for Sick Children
Classification: Uncertain significance for Ehlers-Danlos syndrome. Last evaluated: 2021-06-16. Review status: criteria provided, single submitter. Criteria: ACMG Guidelines, 2015. Collection method: clinical testing. Allele origin: germline.

CHEO Genetics Diagnostic Laboratory, Children's Hospital of Eastern Ontario
Classification: Uncertain significance for Familial thoracic aortic aneurysm and aortic dissection. Last evaluated: 2020-05-19. Review status: criteria provided, single submitter. Criteria: ACMG Guidelines, 2015. Collection method: clinical testing. Allele origin: germline.

NM_000090.4(COL3A1):c.3497G>A (p.Arg1166Gln)

Gene: COL3A1 (collagen type III alpha 1 chain; plus strand). Cytogenetic location: 2q32.2.
Variant type: single nucleotide variant.
Coding change: c.3497G>A on transcript NM_000090.4 (MANE Select); coding-DNA position 3497, G replaced by A.
Protein change: p.Arg1166Gln; replaces arginine 1166 with glutamine.
Molecular consequence: missense variant.
Genome position (GRCh38, 1-based): chr2:189,008,114, G>A. VCF-style: chr2-189008114-G-A. GRCh37 (hg19) VCF-style: chr2-189872840-G-A.
Other names: short protein forms R1166Q.
Identifiers: ClinVar variation 860757 (VCV000860757.38), dbSNP rs369494336, ClinGen allele CA62562083.
Genomic context (GRCh38, chr2:189,008,114, plus strand): 5'-GACCTCCTGGCAAAGATGGAACCAGTGGACATCCAGGTCCCATTGGACCACCAGGGCCTC[G>A]AGGTAACAGAGGTGAAAGAGGATCTGAGGTAAGACATCACTTATACGTATGTGTATTTAA-3'
Protein context (NP_000081.2, residues 1156-1176): HPGPIGPPGP[Arg1166Gln]GNRGERGSEG